The following is an entry in ClinVar:

ClinVar aggregate classification (germline): Uncertain significance (1 of 4 stars; one submission).

Conditions:
Developmental and epileptic encephalopathy, 1 (DEE1). Also called: OHTAHARA SYNDROME, X-LINKED; INFANTILE SPASM SYNDROME, X-LINKED 1; X-linked infantile spasms; West's syndrome; Tonic spasms with clustering, arrest of psychomotor development and hypsarrhythmia on EEG; X-Linked Infantile Spasm Syndrome. Identifiers: MedGen C3463992, MONDO:0010632, OMIM 308350. Disease mechanism: loss of function.
Intellectual disability, X-linked, with or without seizures, ARX-related. Also called: MENTAL RETARDATION, X-LINKED 29; MENTAL RETARDATION, X-LINKED 32; MENTAL RETARDATION, X-LINKED 33; MENTAL RETARDATION, X-LINKED 38; MENTAL RETARDATION, X-LINKED 43; MENTAL RETARDATION, X-LINKED 76. Identifiers: Orphanet 777, MedGen C0796244, MONDO:0010317, OMIM 300419.

Submission:

Labcorp Genetics (formerly Invitae), Labcorp
Classification: Uncertain significance for Developmental and epileptic encephalopathy, 1; Intellectual disability, X-linked, with or without seizures, ARX-related. Last evaluated: 2022-08-31. Review status: criteria provided, single submitter. Criteria: Invitae Variant Classification Sherloc (09022015). Collection method: clinical testing. Allele origin: germline.
Comment: In summary, the available evidence is currently insufficient to determine the role of this variant in disease. Therefore, it has been classified as a Variant of Uncertain Significance. Advanced modeling of protein sequence and biophysical properties (such as structural, functional, and spatial information, amino acid conservation, physicochemical variation, residue mobility, and thermodynamic stability) performed at Invitae indicates that this missense variant is expected to disrupt ARX protein function. ClinVar contains an entry for this variant (Variation ID: 958770). This variant has not been reported in the literature in individuals affected with ARX-related conditions. This variant is not present in population databases (gnomAD no frequency). This sequence change replaces alanine, which is neutral and non-polar, with aspartic acid, which is acidic and polar, at codon 52 of the ARX protein (p.Ala52Asp).

NM_139058.3(ARX):c.155C>A (p.Ala52Asp)

Gene: ARX (aristaless related homeobox; minus strand). Cytogenetic location: Xp21.3.
Variant type: single nucleotide variant.
Coding change: c.155C>A on transcript NM_139058.3 (MANE Select); coding-DNA position 155, C replaced by A.
Protein change: p.Ala52Asp; replaces alanine 52 with aspartic acid.
Molecular consequence: missense variant.
Genome position (GRCh38, 1-based): chrX:25,015,583, G>T on the plus strand (C>A on the coding strand, the complement: ARX is on the minus strand). VCF-style: chrX-25015583-G-T. GRCh37 (hg19) VCF-style: chrX-25033700-G-T.
Other names: short protein forms A52D.
Identifiers: ClinVar variation 958770 (VCV000958770.10), dbSNP rs2048723704, ClinGen allele CA412613777.